The following is an entry in ClinVar:

NM_000051.4(ATM):c.8153G>A (p.Gly2718Asp)

Genes: ATM (ATM serine/threonine kinase; plus strand), C11orf65 (chromosome 11 open reading frame 65; minus strand). Cytogenetic location: 11q22.3.
Variant type: single nucleotide variant.
Coding change: c.8153G>A on transcript NM_000051.4 (MANE Select); coding-DNA position 8153, G replaced by A.
Protein change: p.Gly2718Asp; replaces glycine 2718 with aspartic acid.
Molecular consequence: missense variant. On other transcripts: intron variant (2).
Genome position (GRCh38, 1-based): chr11:108,335,846, G>A. VCF-style: chr11-108335846-G-A. GRCh37 (hg19) VCF-style: chr11-108206573-G-A.
Other names: c.8153G>A, p.Gly2718Asp (NM_001351834.2); c.641-26775C>T (NM_001330368.2); c.695-554C>T (NM_001351110.2); short protein forms G2718D.
Identifiers: ClinVar variation 3965117 (VCV003965117.1).

ClinVar aggregate classification (germline): Uncertain significance (1 of 4 stars; one submission).

Conditions:
Hereditary cancer-predisposing syndrome. Also called: Neoplastic Syndromes, Hereditary; Tumor predisposition; Hereditary Cancer Syndrome; Hereditary neoplastic syndrome. Identifiers: Orphanet 140162, MedGen C0027672, MeSH D009386, MONDO:0015356.

Submission:

Ambry Genetics
Classification: Uncertain significance for Hereditary cancer-predisposing syndrome. Last evaluated: 2025-05-06. Review status: criteria provided, single submitter. Criteria: Ambry Variant Classification Scheme 2023. Collection method: clinical testing. Allele origin: germline.
Comment: The p.G2718D variant (also known as c.8153G>A), located in coding exon 55 of the ATM gene, results from a G to A substitution at nucleotide position 8153. The glycine at codon 2718 is replaced by aspartic acid, an amino acid with similar properties. This amino acid position is highly conserved in available vertebrate species. In addition, this alteration is predicted to be deleterious by in silico analysis. Based on the available evidence, the clinical significance of this variant remains unclear.